The following is an entry in ClinVar:

ClinVar aggregate classification (germline): Uncertain significance (1 of 4 stars; one submission).

Conditions:
ELP4-related disorder. Also called: ELP4-related condition.

Allele frequency attached by ClinVar (database versions not stated): gnomAD exomes below 0.00001.
gnomAD v4.1: 4 of 1,614,066 alleles (0.00025%); highest among the groups gnomAD compares: Non-Finnish European, 0.00034%; no homozygotes.

Submission:

PreventionGenetics, part of Exact Sciences
Classification: Uncertain significance for ELP4-related condition. Last evaluated: 2025-01-24. Review status: criteria provided, single submitter. Criteria: ACMG Guidelines, 2015. Collection method: clinical testing. Allele origin: germline.
Comment: The ELP4 c.1604A>G variant is predicted to result in the amino acid substitution p.Gln535Arg. To our knowledge, this variant has not been reported in the literature or in a large population database, indicating this variant is rare. At this time, the clinical significance of this variant is uncertain due to the absence of conclusive functional and genetic evidence.

NM_019040.5(ELP4):c.1176A>G (p.Thr392=)

Gene: ELP4 (elongator acetyltransferase complex subunit 4; plus strand). Cytogenetic location: 11p13.
Variant type: single nucleotide variant.
Coding change: c.1176A>G on transcript NM_019040.5 (MANE Select); coding-DNA position 1176, A replaced by G.
Protein change: p.Thr392=; no amino-acid change (threonine 392 retained).
Molecular consequence: synonymous variant. On other transcripts: missense variant (2).
Genome position (GRCh38, 1-based): chr11:31,783,425, A>G. VCF-style: chr11-31783425-A-G. GRCh37 (hg19) VCF-style: chr11-31804973-A-G.
Other names: c.1318A>G, p.Ser440Gly (NM_001288725.2); c.1604A>G, p.Gln535Arg (NM_001288726.2); short protein forms Q535R, S440G.
Identifiers: ClinVar variation 2631178 (VCV002631178.2), dbSNP rs1592311224, ClinGen allele CA379964846.
Genomic context (GRCh38, chr11:31,783,425, plus strand): 5'-TTTCTTCTCCTGAAATCTTCTGCCATAGCGACTGCATTTGCCTCCAGACTTGTCAGACAC[A>G]GTGAGCCGCTCAAGCAAAATGGATCTGGCAGAATCCGCCAAGCGGCTGGGCCCAGGCTGT-3'
Protein context (NP_061913.3, residues 382-402): RLHLPPDLSD[Thr392=]VSRSSKMDLA